The following is an entry in ClinVar:

ClinVar aggregate classification (germline): Likely benign (1 of 4 stars; one submission).

Submission:

GeneDx
Classification: Likely benign. Last evaluated: 2018-03-12. Review status: criteria provided, single submitter. Criteria: GeneDx Variant Classification (06012015). Collection method: clinical testing. Allele origin: germline. Affected: yes.
Comment: This variant is considered likely benign or benign based on one or more of the following criteria: it is a conservative change, it occurs at a poorly conserved position in the protein, it is predicted to be benign by multiple in silico algorithms, and/or has population frequency not consistent with disease.

NM_003859.1(DPM1):c.-38delT

Genes: DPM1 (dolichyl-phosphate mannosyltransferase subunit 1, catalytic; minus strand), LOC130066166 (ATAC-STARR-seq lymphoblastoid active region 18108; plus strand). Cytogenetic location: 20q13.13.
Variant type: Deletion.
Coding change: c.-38delT on transcript NM_003859.1; 38 bases upstream of the start codon, one base deleted (T).
Molecular consequence: 5 prime UTR variant (on NM_001317034.1).
Genome position (GRCh38, 1-based): chr20:50,958,561, A deleted on the plus strand (T on the coding strand, the reverse complement: DPM1 is on the minus strand); the first of 2 consecutive A bases (chr20:50,958,561-50,958,562); deleting either gives the same sequence. VCF-style (leftmost placement, unchanged base first): chr20-50958560-TA-T. GRCh37 (hg19) VCF-style: chr20-49575097-TA-T.
Other names: c.-38del (NM_001317034.1, NM_001317035.1, NM_001317036.1).
Identifiers: ClinVar variation 517673 (VCV000517673.3), dbSNP rs763446844, ClinGen allele CA9909300.